The following is an entry in ClinVar:

NM_015662.3(IFT172):c.4630C>T (p.Arg1544Cys)

Gene: IFT172 (intraflagellar transport 172; minus strand). Cytogenetic location: 2p23.3.
Variant type: single nucleotide variant.
Coding change: c.4630C>T on transcript NM_015662.3 (MANE Select); coding-DNA position 4630, C replaced by T.
Protein change: p.Arg1544Cys; replaces arginine 1544 with cysteine.
Molecular consequence: missense variant.
Genome position (GRCh38, 1-based): chr2:27,447,544, G>A on the plus strand (C>T on the coding strand, the complement: IFT172 is on the minus strand). VCF-style: chr2-27447544-G-A. GRCh37 (hg19) VCF-style: chr2-27670411-G-A.
Other names: c.4630C>T (NM_015662.2); short protein forms R1544C.
Identifiers: ClinVar variation 97024 (VCV000097024.7), dbSNP rs587777079, ClinGen allele CA149724.
Genomic context (GRCh38, chr2:27,447,544, plus strand): 5'-CTGAGTGTTCCTTCGACCCCCTACATCTCACCAGCTGTTTGACACTCTGGGCTGCAGAGC[G>A]CGTGGCATAGTAATGAGCGATCAGCAGCATCGTCTTGAACTCCTCATGGGCTGGAGAGTT-3'
Protein context (NP_056477.1, residues 1534-1554): MLLIAHYYAT[Arg1544Cys]SAAQSVKQLE

ClinVar aggregate classification (germline): Pathogenic/Likely pathogenic. Review status: criteria provided, multiple submitters, no conflicts (2 of 4 stars). 7 submissions from 7 submitters: Pathogenic (4); Likely pathogenic (2). 1 of the submissions does not count toward it. Last evaluated 2026-06-18.

Conditions:
Bardet-Biedl syndrome 20. Identifiers: MedGen C4310707, MONDO:0023670, OMIM 619471, MONDO:0014926.
Retinitis pigmentosa 71 (RP71). Identifiers: Orphanet 791, MedGen C4225342, MONDO:0014618, OMIM 616394.
Short-rib thoracic dysplasia 10 with or without polydactyly (SRTD10). Identifiers: Orphanet 474, MedGen C3810175, MONDO:0014284, OMIM 615630.
IFT172-related disorder. Also called: IFT172-related condition; IFT172-related disorders.
Joubert syndrome. Also called: JOUBERT-BOLTSHAUSER SYNDROME; Familial aplasia of the vermis. Identifiers: Orphanet 475, MedGen C5979921, MONDO:0018772.

Allele frequency attached by ClinVar (database versions not stated): gnomAD 0.00001; gnomAD exomes 0.00001; ExAC 0.00002; TOPMed 0.00004.
gnomAD v4.1: 15 of 1,613,968 alleles (0.00093%); highest among the groups gnomAD compares: African/African-American, 0.004%; no homozygotes.

Submissions (7):

PreventionGenetics, part of Exact Sciences
Classification: Pathogenic for IFT172-related condition. Last evaluated: 2026-06-18. Review status: criteria provided, single submitter. Criteria: ACMG Guidelines, 2015. Collection method: clinical testing. Allele origin: germline.
Comment: The IFT172 c.4630C>T variant is predicted to result in the amino acid substitution p.Arg1544Cys. This variant has been reported in the compound heterozygous and homozygous state in patients with Jeune syndrome, Mainzer-Saldino syndrome, and Joubert syndrome (Halbritter et al. 2013. PubMed ID: 24140113; Bachmann-Gagescu et al. 2015. PubMed ID: 26092869; Shaheen et al. 2016. PubMed ID: 27894351; Maddirevula et al. 2018. PubMed ID: 29620724). Functional studies showed that the p.Arg1544Cys substitution could result in abnormal ciliogenesis and ciliary composition in cultured fibroblasts derived from the affected homozygote (Halbritter et al. 2013. PubMed ID: 24140113). Taken together, we classify this variant as pathogenic.

Labcorp Genetics (formerly Invitae), Labcorp
Classification: Pathogenic for Retinitis pigmentosa 71; Short-rib thoracic dysplasia 10 with or without polydactyly. Last evaluated: 2024-04-05. Review status: criteria provided, single submitter. Criteria: Invitae Variant Classification Sherloc (09022015). Collection method: clinical testing. Allele origin: germline.
Comment: This sequence change replaces arginine, which is basic and polar, with cysteine, which is neutral and slightly polar, at codon 1544 of the IFT172 protein (p.Arg1544Cys). This variant is present in population databases (rs587777079, gnomAD 0.003%). This missense change has been observed in individual(s) with IFT172-related conditions (PMID: 24140113). In at least one individual the data is consistent with being in trans (on the opposite chromosome) from a pathogenic variant. It has also been observed to segregate with disease in related individuals. ClinVar contains an entry for this variant (Variation ID: 97024). Advanced modeling of protein sequence and biophysical properties (such as structural, functional, and spatial information, amino acid conservation, physicochemical variation, residue mobility, and thermodynamic stability) performed at Invitae indicates that this missense variant is expected to disrupt IFT172 protein function with a positive predictive value of 80%. For these reasons, this variant has been classified as Pathogenic.

GeneDx
Classification: Likely pathogenic. Last evaluated: 2023-04-24. Review status: criteria provided, single submitter. Criteria: GeneDx Variant Classification Process June 2021. Collection method: clinical testing. Allele origin: germline. Affected: yes.
Comment: Not observed at significant frequency in large population cohorts (gnomAD); In silico analysis supports that this missense variant has a deleterious effect on protein structure/function; This variant is associated with the following publications: (PMID: 26092869, 27894351, 29620724, 24140113)

Fulgent Genetics
Classification: Likely pathogenic for Short-rib thoracic dysplasia 10 with or without polydactyly; Retinitis pigmentosa 71; Bardet-Biedl syndrome 20. Last evaluated: 2021-09-25. Review status: criteria provided, single submitter. Criteria: ACMG Guidelines, 2015. Collection method: clinical testing. Allele origin: unknown.

Blueprint Genetics
Classification: Pathogenic for IFT172-related disorders. Last evaluated: 2019-09-17. Review status: criteria provided, single submitter. Criteria: ACMG Guidelines, 2015. Collection method: clinical testing. Allele origin: germline. Affected: yes. Observed: 1 variant allele.

UW Hindbrain Malformation Research Program, University of Washington
Classification: Pathogenic for Joubert syndrome. Last evaluated: 2015-02-23. Review status: criteria provided, single submitter. Criteria: Bachmann-Gagescu et al. (J Med Genet. 2015). Collection method: research. Allele origin: unknown. Affected: yes.

OMIM
Classification: Pathogenic for SHORT-RIB THORACIC DYSPLASIA 10 WITH OR WITHOUT POLYDACTYLY. Last evaluated: 2013-11-07. Review status: no assertion criteria provided. Collection method: literature only. Allele origin: germline. Not counted in ClinVar's aggregate classification.

Literature cited by the submitters: PubMed 24140113 (cited by Labcorp Genetics (formerly Invitae), Labcorp and OMIM).